The following is an entry in ClinVar:

NM_205836.3(FBXO38):c.2898T>G (p.Asn966Lys)

Gene: FBXO38 (F-box protein 38; plus strand). Cytogenetic location: 5q32.
Variant type: single nucleotide variant.
Coding change: c.2898T>G on transcript NM_205836.3 (MANE Select); coding-DNA position 2898, T replaced by G.
Protein change: p.Asn966Lys; replaces asparagine 966 with lysine.
Molecular consequence: missense variant.
Genome position (GRCh38, 1-based): chr5:148,438,372, T>G. VCF-style: chr5-148438372-T-G. GRCh37 (hg19) VCF-style: chr5-147817935-T-G.
Other names: c.2163T>G, p.Asn721Lys (NM_001271723.2); c.2673T>G, p.Asn891Lys (NM_030793.5); short protein forms N721K, N891K, N966K.
Identifiers: ClinVar variation 573264 (VCV000573264.12), dbSNP rs148580014, ClinGen allele CA128955547.

ClinVar aggregate classification (germline): Uncertain significance (1 of 4 stars; one submission).

Conditions:
Distal hereditary motor neuropathy type 2. Identifiers: Orphanet 139525, MedGen C3711384, MeSH C580044, MONDO:0015352.

Allele frequency attached by ClinVar (database versions not stated): gnomAD exomes below 0.00001; gnomAD 0.00001; TOPMed 0.00002; ESP Exome Variant Server 0.00008.
gnomAD v4.1: 3 of 1,613,896 alleles (0.00019%); highest among the groups gnomAD compares: Non-Finnish European, 0.00025%; no homozygotes.

Submission:

Labcorp Genetics (formerly Invitae), Labcorp
Classification: Uncertain significance for Distal hereditary motor neuropathy type 2. Last evaluated: 2025-03-19. Review status: criteria provided, single submitter. Criteria: Invitae Variant Classification Sherloc (09022015). Collection method: clinical testing. Allele origin: germline.
Comment: This sequence change replaces asparagine, which is neutral and polar, with lysine, which is basic and polar, at codon 891 of the FBXO38 protein (p.Asn891Lys). This variant is not present in population databases (gnomAD no frequency). This variant has not been reported in the literature in individuals affected with FBXO38-related conditions. ClinVar contains an entry for this variant (Variation ID: 573264). An algorithm developed to predict the effect of missense changes on protein structure and function (PolyPhen-2) suggests that this variant is likely to be tolerated. In summary, the available evidence is currently insufficient to determine the role of this variant in disease. Therefore, it has been classified as a Variant of Uncertain Significance.